The following is an entry in ClinVar:

ClinVar aggregate classification (germline): Uncertain significance. Review status: criteria provided, multiple submitters, no conflicts (2 of 4 stars). 3 submissions from 3 submitters: Uncertain significance (3). Last evaluated 2025-08-04.

Conditions:
Immunodeficiency 36 with lymphoproliferation. Also called: ACTIVATED PI3K-DELTA SYNDROME 2; Activated PI3K Delta Syndrome Type 2 (APDS2); Immunodeficiency 36. Identifiers: Orphanet 397596, Orphanet 693681, MedGen C4014934, MONDO:0014453, OMIM 616005.
SHORT syndrome. Also called: SHORT STATURE, HYPEREXTENSIBILITY, HERNIA, OCULAR DEPRESSION, RIEGER ANOMALY, AND TEETHING DELAY; PIK3R1-Related SHORT Syndrome; LIPODYSTROPHY, PARTIAL, WITH RIEGER ANOMALY AND SHORT STATURE. Identifiers: Orphanet 3163, MedGen C0878684, MONDO:0010026, OMIM 269880.
Agammaglobulinemia 7, autosomal recessive (AGM7). Also called: AGAMMAGLOBULINEMIA, AUTOSOMAL RECESSIVE, DUE TO PIK3R1 DEFECT. Identifiers: MedGen C3554689, MONDO:0014083, OMIM 615214.

Submissions (3):

Labcorp Genetics (formerly Invitae), Labcorp
Classification: Uncertain significance for SHORT syndrome; Immunodeficiency 36 with lymphoproliferation; Agammaglobulinemia 7, autosomal recessive. Last evaluated: 2025-08-04. Review status: criteria provided, single submitter. Criteria: Invitae Variant Classification Sherloc (09022015). Collection method: clinical testing. Allele origin: germline.
Comment: This sequence change replaces arginine, which is basic and polar, with glutamine, which is neutral and polar, at codon 557 of the PIK3R1 protein (p.Arg557Gln). This variant is not present in population databases (gnomAD no frequency). This variant has not been reported in the literature in individuals affected with PIK3R1-related conditions. ClinVar contains an entry for this variant (Variation ID: 1055758). Invitae Evidence Modeling of protein sequence and biophysical properties (such as structural, functional, and spatial information, amino acid conservation, physicochemical variation, residue mobility, and thermodynamic stability) has been performed for this missense variant. However, the output from this modeling did not meet the statistical confidence thresholds required to predict the impact of this variant on PIK3R1 protein function. In summary, the available evidence is currently insufficient to determine the role of this variant in disease. Therefore, it has been classified as a Variant of Uncertain Significance.

Clinical Genomics Laboratory, Washington University in St. Louis
Classification: Uncertain significance for Immunodeficiency 36 with lymphoproliferation; SHORT syndrome. Last evaluated: 2025-03-07. Review status: criteria provided, single submitter. Criteria: ACMG Guidelines, 2015. Collection method: clinical testing. Allele origin: germline.
Comment: A PIK3R1 c.1670G>A (p.Arg557Gln) variant was identified at a near heterozygous allelic fraction of 47.2%, a frequency which may be consistent with it being of germline origin. This variant, to our knowledge, has not been reported in a germline state in the medical literature. The PIK3R1 c.1670G>A (p.Arg557Gln) variant has been reported in the ClinVar database as a variant of uncertain significance in a germline state in SHORT syndrome and agammaglobulinemia 7 by two submitters (ClinVar variation ID: 1055758). This variant is absent from the general population (gnomAD v4.1.0), indicating it is not a common variant. This variant resides within a region, the iSH2 domain, amino acids 430-600, of PIK3R1 that is defined as a critical functional domain (Liu S et al., PMID: 24459181). Computational predictors are uncertain as to the impact of this variant on PIK3R1 function. Due to limited information, and based on ACMG/AMP guidelines for variant interpretation (Richards S et al., PMID: 25741868), the clinical significance of this variant is uncertain at this time.

New York Genome Center
Classification: Uncertain significance for Agammaglobulinemia 7, autosomal recessive; SHORT syndrome; Immunodeficiency 36 with lymphoproliferation. Last evaluated: 2021-07-23. Review status: criteria provided, single submitter. Criteria: NYGC Assertion Criteria 2020. Collection method: clinical testing. Allele origin: inherited. Observed: 1 heterozygote. Study: CSER-NYCKidSeq.

NM_181523.3(PIK3R1):c.1670G>A (p.Arg557Gln)

Gene: PIK3R1 (phosphoinositide-3-kinase regulatory subunit 1; plus strand). Cytogenetic location: 5q13.1.
Variant type: single nucleotide variant.
Coding change: c.1670G>A on transcript NM_181523.3 (MANE Select); coding-DNA position 1670, G replaced by A.
Protein change: p.Arg557Gln; replaces arginine 557 with glutamine.
Molecular consequence: missense variant.
Genome position (GRCh38, 1-based): chr5:68,295,249, G>A. VCF-style: chr5-68295249-G-A. GRCh37 (hg19) VCF-style: chr5-67591077-G-A.
Other names: c.581G>A, p.Arg194Gln (NM_001242466.2); c.860G>A, p.Arg287Gln (NM_181504.4); c.770G>A, p.Arg257Gln (NM_181524.2); short protein forms R194Q, R257Q, R287Q, R557Q.
Identifiers: ClinVar variation 1055758 (VCV001055758.16), dbSNP rs2112275807, ClinGen allele CA359882989.
Genomic context (GRCh38, chr5:68,295,249, plus strand): 5'-AAATTATTGACAGTAGAAGAAGATTGGAAGAAGACTTGAAGAAGCAGGCAGCTGAGTATC[G>A]AGAAATTGACAAACGTATGAACAGCATTAAACCAGACCTTATCCAGCTGAGAAAGACGAG-3'
Protein context (NP_852664.1, residues 547-567): EDLKKQAAEY[Arg557Gln]EIDKRMNSIK